The following is an entry in ClinVar:

NM_000256.3(MYBPC3):c.2413+5G>T

Gene: MYBPC3 (myosin binding protein C3; minus strand). Cytogenetic location: 11p11.2.
Variant type: single nucleotide variant.
Coding change: c.2413+5G>T on transcript NM_000256.3 (MANE Select); 5 bases into the intron after coding-DNA position 2413, G replaced by T.
Molecular consequence: intron variant.
Genome position (GRCh38, 1-based): chr11:47,337,685, C>A on the plus strand (G>T on the coding strand, the complement: MYBPC3 is on the minus strand). VCF-style: chr11-47337685-C-A. GRCh37 (hg19) VCF-style: chr11-47359236-C-A.
Identifiers: ClinVar variation 2751101 (VCV002751101.3), dbSNP rs1279089224, ClinGen allele CA2697548564.

ClinVar aggregate classification (germline): Uncertain significance (1 of 4 stars; one submission).

Conditions:
Hypertrophic cardiomyopathy. Also called: HYPERTROPHIC MYOCARDIOPATHY. Identifiers: Orphanet 217569, MedGen C0007194, MeSH D002312, MONDO:0005045, HP:0001639.

Submission:

Labcorp Genetics (formerly Invitae), Labcorp
Classification: Uncertain significance for Hypertrophic cardiomyopathy. Last evaluated: 2023-08-21. Review status: criteria provided, single submitter. Criteria: Invitae Variant Classification Sherloc (09022015). Collection method: clinical testing. Allele origin: germline.
Comment: In summary, the available evidence is currently insufficient to determine the role of this variant in disease. Therefore, it has been classified as a Variant of Uncertain Significance. Variants that disrupt the consensus splice site are a relatively common cause of aberrant splicing (PMID: 17576681, 9536098). Algorithms developed to predict the effect of sequence changes on RNA splicing suggest that this variant may disrupt the consensus splice site. This variant has not been reported in the literature in individuals affected with MYBPC3-related conditions. This variant is not present in population databases (gnomAD no frequency). This sequence change falls in intron 24 of the MYBPC3 gene. It does not directly change the encoded amino acid sequence of the MYBPC3 protein. It affects a nucleotide within the consensus splice site.

Literature cited by the submitters: PubMed 17576681; PubMed 9536098.